The following is an entry in ClinVar:

NM_001128178.3(NPHP1):c.1739G>A (p.Ser580Asn)

Gene: NPHP1 (nephrocystin 1; minus strand). Cytogenetic location: 2q13.
Variant type: single nucleotide variant.
Coding change: c.1739G>A on transcript NM_001128178.3 (MANE Select); coding-DNA position 1739, G replaced by A.
Protein change: p.Ser580Asn; replaces serine 580 with asparagine.
Molecular consequence: missense variant.
Genome position (GRCh38, 1-based): chr2:110,125,659, C>T on the plus strand (G>A on the coding strand, the complement: NPHP1 is on the minus strand). VCF-style: chr2-110125659-C-T. GRCh37 (hg19) VCF-style: chr2-110883236-C-T.
Other names: c.1907G>A, p.Ser636Asn (NM_000272.5); c.1550G>A, p.Ser517Asn (NM_001128179.3); c.1736G>A, p.Ser579Asn (NM_001374256.1); c.1739G>A, p.Ser580Asn (NM_001374257.1); c.1904G>A, p.Ser635Asn (NM_207181.4); short protein forms S517N, S579N, S580N, S635N, S636N.
Identifiers: ClinVar variation 1001579 (VCV001001579.6), dbSNP rs1408406395, ClinGen allele CA348086698.

ClinVar aggregate classification (germline): Uncertain significance (1 of 4 stars; one submission).

Conditions:
Nephronophthisis. Also called: Juvenile Nephronophthisis. Identifiers: Orphanet 655, MedGen C0687120, MONDO:0019005, HP:0000090.

Allele frequency attached by ClinVar (database versions not stated): TOPMed 0.00001; gnomAD 0.00001; gnomAD exomes 0.00001.
gnomAD v4.1: 18 of 1,613,280 alleles (0.0011%); highest among the groups gnomAD compares: Non-Finnish European, 0.0015%; no homozygotes.

Submission:

Labcorp Genetics (formerly Invitae), Labcorp
Classification: Uncertain significance for Nephronophthisis. Last evaluated: 2022-07-26. Review status: criteria provided, single submitter. Criteria: Invitae Variant Classification Sherloc (09022015). Collection method: clinical testing. Allele origin: germline.
Comment: ClinVar contains an entry for this variant (Variation ID: 1001579). In summary, the available evidence is currently insufficient to determine the role of this variant in disease. Therefore, it has been classified as a Variant of Uncertain Significance. Algorithms developed to predict the effect of missense changes on protein structure and function (SIFT, PolyPhen-2, Align-GVGD) all suggest that this variant is likely to be tolerated. This variant has not been reported in the literature in individuals affected with NPHP1-related conditions. This variant is present in population databases (no rsID available, gnomAD 0.003%). This sequence change replaces serine, which is neutral and polar, with asparagine, which is neutral and polar, at codon 636 of the NPHP1 protein (p.Ser636Asn).